The following is an entry in ClinVar:

ClinVar aggregate classification (germline): Uncertain significance (1 of 4 stars; one submission).

Conditions:
Autosomal recessive limb-girdle muscular dystrophy type 2J (LGMDR10). Also called: Limb-girdle muscular dystrophy, type 2J; MUSCULAR DYSTROPHY, LIMB-GIRDLE, AUTOSOMAL RECESSIVE 10. Identifiers: Orphanet 140922, MedGen C1837342, MONDO:0012127, OMIM 608807.
Dilated cardiomyopathy 1G (CMD1G). Identifiers: Orphanet 154, MedGen C1858763, MONDO:0011400, OMIM 604145.

Submission:

Labcorp Genetics (formerly Invitae), Labcorp
Classification: Uncertain significance for Dilated cardiomyopathy 1G; Autosomal recessive limb-girdle muscular dystrophy type 2J. Last evaluated: 2024-07-13. Review status: criteria provided, single submitter. Criteria: Invitae Variant Classification Sherloc (09022015). Collection method: clinical testing. Allele origin: germline.
Comment: This sequence change replaces alanine, which is neutral and non-polar, with valine, which is neutral and non-polar, at codon 34737 of the TTN protein (p.Ala34737Val). This variant is not present in population databases (gnomAD no frequency). This variant has not been reported in the literature in individuals affected with TTN-related conditions. An algorithm developed to predict the effect of missense changes on protein structure and function outputs the following: PolyPhen-2: "Not Available". The valine amino acid residue is found in multiple mammalian species, which suggests that this missense change does not adversely affect protein function. This variant is located in the M band of TTN (PMID: 25589632). Non-truncating variants in this region may be relevant for neuromuscular disorders, but have not been definitively shown to cause cardiomyopathy (PMID: 23975875). In summary, the available evidence is currently insufficient to determine the role of this variant in disease. Therefore, it has been classified as a Variant of Uncertain Significance.

Literature cited by the submitters: PubMed 25589632; PubMed 23975875.

NM_001267550.2(TTN):c.104210C>T (p.Ala34737Val)

Genes: TTN-AS1 (TTN antisense RNA 1; plus strand), TTN (titin; minus strand). Cytogenetic location: 2q31.2.
Variant type: single nucleotide variant.
Coding change: c.104210C>T on transcript NM_001267550.2 (MANE Select); coding-DNA position 104210, C replaced by T.
Protein change: p.Ala34737Val; replaces alanine 34737 with valine.
Molecular consequence: missense variant.
Genome position (GRCh38, 1-based): chr2:178,532,405, G>A on the plus strand (C>T on the coding strand, the complement: TTN is on the minus strand). VCF-style: chr2-178532405-G-A. GRCh37 (hg19) VCF-style: chr2-179397132-G-A.
Other names: c.99287C>T, p.Ala33096Val (NM_001256850.1); c.77015C>T, p.Ala25672Val (NM_003319.4); c.96506C>T, p.Ala32169Val (NM_133378.4); c.77390C>T, p.Ala25797Val (NM_133432.3); c.77591C>T, p.Ala25864Val (NM_133437.4); short protein forms A25672V, A25797V, A25864V, A32169V, A33096V, A34737V.
Identifiers: ClinVar variation 3761949 (VCV003761949.2).